The following is an entry in ClinVar:

ClinVar aggregate classification (germline): Uncertain significance (1 of 4 stars; one submission).

Allele frequency attached by ClinVar (database versions not stated): gnomAD exomes 0.00001 and 0.00002; ExAC 0.00002.
gnomAD v4.1: 16 of 1,614,086 alleles (0.00099%); highest among the groups gnomAD compares: Middle Eastern, 0.049%; no homozygotes.

Submission:

Labcorp Genetics (formerly Invitae), Labcorp
Classification: Uncertain significance. Last evaluated: 2022-04-22. Review status: criteria provided, single submitter. Criteria: Invitae Variant Classification Sherloc (09022015). Collection method: clinical testing. Allele origin: germline.
Comment: This sequence change replaces leucine, which is neutral and non-polar, with phenylalanine, which is neutral and non-polar, at codon 164 of the COL9A1 protein (p.Leu164Phe). This variant is present in population databases (rs749263101, gnomAD 0.01%). This variant has not been reported in the literature in individuals affected with COL9A1-related conditions. Advanced modeling of protein sequence and biophysical properties (such as structural, functional, and spatial information, amino acid conservation, physicochemical variation, residue mobility, and thermodynamic stability) performed at Invitae indicates that this missense variant is not expected to disrupt COL9A1 protein function. In summary, the available evidence is currently insufficient to determine the role of this variant in disease. Therefore, it has been classified as a Variant of Uncertain Significance.

NM_001851.6(COL9A1):c.490C>T (p.Leu164Phe)

Gene: COL9A1 (collagen type IX alpha 1 chain; minus strand). Cytogenetic location: 6q13.
Variant type: single nucleotide variant.
Coding change: c.490C>T on transcript NM_001851.6 (MANE Select); coding-DNA position 490, C replaced by T.
Protein change: p.Leu164Phe; replaces leucine 164 with phenylalanine.
Molecular consequence: missense variant.
Genome position (GRCh38, 1-based): chr6:70,294,373, G>A on the plus strand (C>T on the coding strand, the complement: COL9A1 is on the minus strand). VCF-style: chr6-70294373-G-A. GRCh37 (hg19) VCF-style: chr6-71004076-G-A.
Other names: c.490C>T, p.Leu164Phe (NM_001377291.1); short protein forms L164F.
Identifiers: ClinVar variation 2125533 (VCV002125533.2), dbSNP rs749263101, ClinGen allele CA3882796.
Genomic context (GRCh38, chr6:70,294,373, plus strand): 5'-TGATCTTATGCCACTGGGAATCAAACAAGGAGGACAAATTCGAAAAGGCTGCTGTTTGGA[G>A]ACTTCCATCCAGTCCCTTGTATGAAAATACAACAGATTGTGTTTGGCCATTAATCTTTAT-3'
Protein context (NP_001842.3, residues 154-174): VFSYKGLDGS[Leu164Phe]QTAAFSNLSS